The following is an entry in ClinVar:

ClinVar aggregate classification (germline): Uncertain significance (1 of 4 stars; one submission).

Conditions:
Epileptic encephalopathy. Identifiers: MedGen C0543888, HP:0200134.

Allele frequency attached by ClinVar (database versions not stated): gnomAD 0.00004 and 0.00005; TOPMed 0.00004; ESP Exome Variant Server 0.00008; 1000 Genomes Project 30x 0.00047; 1000 Genomes Project 0.00060.
gnomAD v4.1: 31 of 1,613,690 alleles (0.0019%); highest among the groups gnomAD compares: African/African-American, 0.031%; no homozygotes.

Submission:

Labcorp Genetics (formerly Invitae), Labcorp
Classification: Uncertain significance for Epileptic encephalopathy. Last evaluated: 2020-02-27. Review status: criteria provided, single submitter. Criteria: Invitae Variant Classification Sherloc (09022015). Collection method: clinical testing. Allele origin: germline.
Comment: In summary, the available evidence is currently insufficient to determine the role of this variant in disease. Therefore, it has been classified as a Variant of Uncertain Significance. This sequence change replaces valine with isoleucine at codon 1390 of the RYR3 protein (p.Val1390Ile). The valine residue is highly conserved and there is a small physicochemical difference between valine and isoleucine. This variant is present in population databases (rs138445751, ExAC 0.03%). This variant has not been reported in the literature in individuals with RYR3-related conditions. Algorithms developed to predict the effect of missense changes on protein structure and function output the following: SIFT: "Deleterious"; PolyPhen-2: "Benign"; Align-GVGD: "Class C25". The isoleucine amino acid residue is found in multiple mammalian species, suggesting that this missense change does not adversely affect protein function. These predictions have not been confirmed by published functional studies and their clinical significance is uncertain.

NM_001036.6(RYR3):c.4168G>A (p.Val1390Ile)

Gene: RYR3 (ryanodine receptor 3; plus strand). Cytogenetic location: 15q14.
Variant type: single nucleotide variant.
Coding change: c.4168G>A on transcript NM_001036.6 (MANE Select); coding-DNA position 4168, G replaced by A.
Protein change: p.Val1390Ile; replaces valine 1390 with isoleucine.
Molecular consequence: missense variant.
Genome position (GRCh38, 1-based): chr15:33,652,743, G>A. VCF-style: chr15-33652743-G-A. GRCh37 (hg19) VCF-style: chr15-33944944-G-A.
Other names: c.4168G>A, p.Val1390Ile (NM_001243996.4); short protein forms V1390I.
Identifiers: ClinVar variation 1002876 (VCV001002876.9), dbSNP rs138445751, ClinGen allele CA7458923.
Genomic context (GRCh38, chr15:33,652,743, plus strand): 5'-CCAGATTCTGTGCCTTTTCCTGTCTTGGCTCCTAGTGTGAAACGCAGCAACTGCTACATG[G>A]TCTGGGGTGGAGACATTGTAGCCAGTTCCCAGAGATCAAATCGGAGCAACGTGGACCTGG-3'
Protein context (NP_001027.3, residues 1380-1400): ESVKRSNCYM[Val1390Ile]WGGDIVASSQ